The following is an entry in ClinVar:

NM_000152.5(GAA):c.2336C>A (p.Pro779Gln)

Gene: GAA (alpha glucosidase; plus strand). Cytogenetic location: 17q25.3.
Variant type: single nucleotide variant.
Coding change: c.2336C>A on transcript NM_000152.5 (MANE Select); coding-DNA position 2336, C replaced by A.
Protein change: p.Pro779Gln; replaces proline 779 with glutamine.
Molecular consequence: missense variant.
Genome position (GRCh38, 1-based): chr17:80,117,604, C>A. VCF-style: chr17-80117604-C-A. GRCh37 (hg19) VCF-style: chr17-78091403-C-A.
Other names: c.2336C>A, p.Pro779Gln (NM_001079803.3, NM_001079804.3, NM_001406741.1 and 1 more transcripts); c.2336C>A (NM_000152.4); short protein forms P779Q.
Identifiers: ClinVar variation 1789779 (VCV001789779.5), dbSNP rs1483942459, ClinGen allele CA401324975.

ClinVar aggregate classification (germline): Uncertain significance. Review status: criteria provided, multiple submitters, no conflicts (2 of 4 stars). 3 submissions from 3 submitters: Uncertain significance (2). 1 of the submissions does not count toward it. Last evaluated 2024-03-29.

Conditions:
GAA-related disorder. Also called: GAA-related condition.
Cardiovascular phenotype. Identifiers: MedGen CN230736.
Glycogen storage disease, type II (IOPD). Also called: CARDIOMEGALIA GLYCOGENICA DIFFUSA; GLYCOGENOSIS, GENERALIZED, CARDIAC FORM; GSD II; Glycogen storage disease type 2; Acid maltase deficiency disease; Aglucosidase alfa. Identifiers: Orphanet 365, MedGen C0017921, MONDO:0009290, OMIM 232300.

Submissions (3):

Labcorp Genetics (formerly Invitae), Labcorp
Classification: Uncertain significance for Glycogen storage disease, type II. Last evaluated: 2024-03-29. Review status: criteria provided, single submitter. Criteria: Invitae Variant Classification Sherloc (09022015). Collection method: clinical testing. Allele origin: germline.
Comment: This sequence change replaces proline, which is neutral and non-polar, with glutamine, which is neutral and polar, at codon 779 of the GAA protein (p.Pro779Gln). This variant is not present in population databases (gnomAD no frequency). This variant has not been reported in the literature in individuals affected with GAA-related conditions. ClinVar contains an entry for this variant (Variation ID: 1789779). Advanced modeling of protein sequence and biophysical properties (such as structural, functional, and spatial information, amino acid conservation, physicochemical variation, residue mobility, and thermodynamic stability) performed at Invitae indicates that this missense variant is not expected to disrupt GAA protein function with a negative predictive value of 95%. In summary, the available evidence is currently insufficient to determine the role of this variant in disease. Therefore, it has been classified as a Variant of Uncertain Significance.

Ambry Genetics
Classification: Uncertain significance for Cardiovascular phenotype. Last evaluated: 2021-11-19. Review status: criteria provided, single submitter. Criteria: Ambry Variant Classification Scheme 2023. Collection method: clinical testing. Allele origin: germline.
Comment: The p.P779Q variant (also known as c.2336C>A), located in coding exon 16 of the GAA gene, results from a C to A substitution at nucleotide position 2336. The proline at codon 779 is replaced by glutamine, an amino acid with similar properties. This amino acid position is conserved. In addition, the in silico prediction for this alteration is inconclusive. Since supporting evidence is limited at this time, the clinical significance of this alteration remains unclear.

PreventionGenetics, part of Exact Sciences
Classification: Uncertain significance for GAA-related condition. Last evaluated: 2024-04-18. Review status: no assertion criteria provided. Collection method: clinical testing. Allele origin: germline. Not counted in ClinVar's aggregate classification.
Comment: The GAA c.2336C>A variant is predicted to result in the amino acid substitution p.Pro779Gln. To our knowledge, this variant has not been reported in the literature or in a large population database, indicating this variant is rare. At this time, the clinical significance of this variant is uncertain due to the absence of conclusive functional and genetic evidence.